The following is an entry in ClinVar:

NM_006265.3(RAD21):c.704G>C (p.Ser235Thr)

Gene: RAD21 (RAD21 cohesin complex component; minus strand). Cytogenetic location: 8q24.11.
Variant type: single nucleotide variant.
Coding change: c.704G>C on transcript NM_006265.3 (MANE Select); coding-DNA position 704, G replaced by C.
Protein change: p.Ser235Thr; replaces serine 235 with threonine.
Molecular consequence: missense variant.
Genome position (GRCh38, 1-based): chr8:116,856,756, C>G on the plus strand (G>C on the coding strand, the complement: RAD21 is on the minus strand). VCF-style: chr8-116856756-C-G. GRCh37 (hg19) VCF-style: chr8-117868995-C-G.
Other names: short protein forms S235T.
Identifiers: ClinVar variation 4077300 (VCV004077300.2).

ClinVar aggregate classification (germline): Uncertain significance. Review status: criteria provided, multiple submitters, no conflicts (2 of 4 stars). 2 submissions from 2 submitters: Uncertain significance (2). Last evaluated 2026-05-23.

Conditions:
Inborn genetic diseases. Identifiers: MedGen C0950123, MeSH D030342.

Submissions (2):

Ambry Genetics
Classification: Uncertain significance for Inborn genetic diseases. Last evaluated: 2026-05-23. Review status: criteria provided, single submitter. Criteria: Ambry Variant Classification Scheme 2023. Collection method: clinical testing. Allele origin: germline.

GeneDx
Classification: Uncertain significance. Last evaluated: 2025-02-27. Review status: criteria provided, single submitter. Criteria: GeneDx Variant Classification Process June 2021. Collection method: clinical testing. Allele origin: germline. Affected: yes.
Comment: Not observed at significant frequency in large population cohorts (gnomAD); In silico analysis indicates that this missense variant does not alter protein structure/function; Has not been previously published as pathogenic or benign to our knowledge